The following is an entry in ClinVar:

NM_000051.4(ATM):c.7499T>G (p.Val2500Gly)

Genes: ATM (ATM serine/threonine kinase; plus strand), C11orf65 (chromosome 11 open reading frame 65; minus strand). Cytogenetic location: 11q22.3.
Variant type: single nucleotide variant.
Coding change: c.7499T>G on transcript NM_000051.4 (MANE Select); coding-DNA position 7499, T replaced by G.
Protein change: p.Val2500Gly; replaces valine 2500 with glycine.
Molecular consequence: missense variant. On other transcripts: intron variant (2).
Genome position (GRCh38, 1-based): chr11:108,330,405, T>G. VCF-style: chr11-108330405-T-G. GRCh37 (hg19) VCF-style: chr11-108201132-T-G.
Other names: c.7499T>G, p.Val2500Gly (NM_001351834.2); c.641-21334A>C (NM_001330368.2); c.*38+4815A>C (NM_001351110.2); short protein forms V2500G.
Identifiers: ClinVar variation 1378355 (VCV001378355.8), dbSNP rs779810877, ClinGen allele CA382560563.
Genomic context (GRCh38, chr11:108,330,405, plus strand): 5'-ATGATATGTGGGTATTCCGACTTTGTTCCCTCTGGCTTGAAAATTCTGGAGTTTCTGAAG[T>G]CAATGGCATGATGAAGGCAAGTGTTACTCAGCCCAATATTCTACCCTGTGCTTGAAAAAC-3'
Protein context (NP_000042.3, residues 2490-2510): LWLENSGVSE[Val2500Gly]NGMMKRDGMK

ClinVar aggregate classification (germline): Uncertain significance (1 of 4 stars; one submission).

Conditions:
Ataxia-telangiectasia syndrome (AT). Also called: Ataxia-telangiectasia; LOUIS-BAR SYNDROME; Ataxia-telangiectasia, complementation group D; AT, COMPLEMENTATION GROUP C; ATAXIA-TELANGIECTASIA, COMPLEMENTATION GROUP A; ATAXIA-TELANGIECTASIA, FRESNO VARIANT. Identifiers: Orphanet 100, MedGen C0004135, MONDO:0008840, OMIM 208900.

gnomAD v4.1: 1 of 1,614,174 alleles (0.000062%); highest among the groups gnomAD compares: Non-Finnish European, 0.000085%; no homozygotes.

Submission:

Labcorp Genetics (formerly Invitae), Labcorp
Classification: Uncertain significance for Ataxia-telangiectasia syndrome. Last evaluated: 2021-03-15. Review status: criteria provided, single submitter. Criteria: Invitae Variant Classification Sherloc (09022015). Collection method: clinical testing. Allele origin: germline.
Comment: In summary, the available evidence is currently insufficient to determine the role of this variant in disease. Therefore, it has been classified as a Variant of Uncertain Significance. Advanced modeling of protein sequence and biophysical properties (such as structural, functional, and spatial information, amino acid conservation, physicochemical variation, residue mobility, and thermodynamic stability) performed at Invitae indicates that this missense variant is expected to disrupt ATM protein function. This variant has not been reported in the literature in individuals with ATM-related conditions. This variant is not present in population databases (ExAC no frequency). This sequence change replaces valine with glycine at codon 2500 of the ATM protein (p.Val2500Gly). The valine residue is moderately conserved and there is a moderate physicochemical difference between valine and glycine.